The following is an entry in ClinVar:

NM_000535.7(PMS2):c.1686T>G (p.Phe562Leu)

Gene: PMS2 (PMS1 homolog 2, mismatch repair system component; minus strand). Cytogenetic location: 7p22.1.
Variant type: single nucleotide variant.
Coding change: c.1686T>G on transcript NM_000535.7 (MANE Select); coding-DNA position 1686, T replaced by G.
Protein change: p.Phe562Leu; replaces phenylalanine 562 with leucine.
Molecular consequence: missense variant. On other transcripts: non-coding transcript variant (1).
Genome position (GRCh38, 1-based): chr7:5,987,079, A>C on the plus strand (T>G on the coding strand, the complement: PMS2 is on the minus strand). VCF-style: chr7-5987079-A-C. GRCh37 (hg19) VCF-style: chr7-6026710-A-C.
Other names: c.1281T>G, p.Phe427Leu (NM_001322003.2, NM_001322004.2, NM_001322005.2 and 1 more transcripts); c.1530T>G, p.Phe510Leu (NM_001322006.2); c.1368T>G, p.Phe456Leu (NM_001322007.2, NM_001322008.2); c.1125T>G, p.Phe375Leu (NM_001322010.2); c.753T>G, p.Phe251Leu (NM_001322011.2, NM_001322012.2); c.1113T>G, p.Phe371Leu (NM_001322013.2); c.1686T>G, p.Phe562Leu (NM_001322014.2); c.1377T>G, p.Phe459Leu (NM_001322015.2); short protein forms F562L, F371L, F456L, F251L, F427L, F459L, F375L, F510L.
Identifiers: ClinVar variation 484254 (VCV000484254.28), dbSNP rs764749700, ClinGen allele CA045114.
Genomic context (GRCh38, chr7:5,987,079, plus strand): 5'-TTCTTTTTTAAAACGCTTTGTGTTTGGGGTTGCGAGATTAGTTGGCTGAGGCAAAACTCG[A>C]AATTTACATCCGGTATCTTCCTGGTTTGAATGGCAGTCCACATCTGAAAAAGAGTCGTCA-3'
Protein context (NP_000526.2, residues 552-572): HSNQEDTGCK[Phe562Leu]RVLPQPTNLA

ClinVar aggregate classification (germline): Conflicting classifications of pathogenicity. Review status: criteria provided, conflicting classifications (1 of 4 stars). 4 submissions from 4 submitters: Uncertain significance (2); Likely benign (2). Last evaluated 2025-10-14.

Conditions:
Hereditary nonpolyposis colorectal neoplasms. Identifiers: MedGen C0009405, MeSH D003123.
Hereditary cancer-predisposing syndrome. Also called: Neoplastic Syndromes, Hereditary; Tumor predisposition; Hereditary Cancer Syndrome; Hereditary neoplastic syndrome. Identifiers: Orphanet 140162, MedGen C0027672, MeSH D009386, MONDO:0015356.

Allele frequency attached by ClinVar (database versions not stated): gnomAD exomes below 0.00001; ExAC 0.00001; gnomAD 0.00001; TOPMed 0.00001.
gnomAD v4.1: 13 of 1,614,042 alleles (0.00081%); highest among the groups gnomAD compares: Non-Finnish European, 0.0011%; no homozygotes.

Submissions (4):

Labcorp Genetics (formerly Invitae), Labcorp
Classification: Likely benign for Hereditary nonpolyposis colorectal neoplasms. Last evaluated: 2025-10-14. Review status: criteria provided, single submitter. Criteria: Invitae Variant Classification Sherloc (09022015). Collection method: clinical testing. Allele origin: germline.

Ambry Genetics
Classification: Likely benign for Hereditary cancer-predisposing syndrome. Last evaluated: 2025-08-12. Review status: criteria provided, single submitter. Criteria: Ambry Variant Classification Scheme 2023. Collection method: clinical testing. Allele origin: germline.

Center for Genomic Medicine, Rigshospitalet, Copenhagen University Hospital
Classification: Uncertain significance. Last evaluated: 2025-03-04. Review status: criteria provided, single submitter. Criteria: ACMG Guidelines, 2015. Collection method: clinical testing. Allele origin: germline.

Color Diagnostics, LLC DBA Color Health
Classification: Uncertain significance for Hereditary cancer-predisposing syndrome. Last evaluated: 2023-12-05. Review status: criteria provided, single submitter. Criteria: ACMG Guidelines, 2015. Collection method: clinical testing. Allele origin: germline.
Comment: This missense variant replaces phenylalanine with leucine at codon 562 of the PMS2 protein. Computational prediction suggests that this variant may not impact protein structure and function (internally defined REVEL score threshold <= 0.5, PMID: 27666373). To our knowledge, functional studies have not been reported for this variant. This variant has not been reported in individuals affected with PMS2-related disorders in the literature. This variant has been identified in 1/251344 chromosomes in the general population by the Genome Aggregation Database (gnomAD). The available evidence is insufficient to determine the role of this variant in disease conclusively. Therefore, this variant is classified as a Variant of Uncertain Significance.